The following is an entry in ClinVar:

ClinVar aggregate classification (germline): Uncertain significance. Review status: criteria provided, multiple submitters, no conflicts (2 of 4 stars). 5 submissions from 5 submitters: Uncertain significance (5). Last evaluated 2025-07-31.

Conditions:
Inborn genetic diseases. Identifiers: MedGen C0950123, MeSH D030342.
H syndrome. Also called: Hyperpigmentation, Cutaneous, with Hypertrichosis, Hepatosplenomegaly, Heart Anomalies, Hearing Loss, and Hypogonadism; Histiocytosis-lymphadenopathy plus syndrome; FAISALABAD HISTIOCYTOSIS; HISTIOCYTOSIS AND LYMPHADENOPATHY WITH OR WITHOUT CUTANEOUS, CARDIAC, AND/OR ENDOCRINE FEATURES, JOINT CONTRACTURES, AND/OR DEAFNESS; HYPERPIGMENTATION, CUTANEOUS, WITH HYPERTRICHOSIS, HEPATOSPLENOMEGALY, HEART ANOMALIES, AND HYPOGONADISM WITH OR WITHOUT HEARING LOSS; PIGMENTED HYPERTRICHOSIS WITH INSULIN-DEPENDENT DIABETES MELLITUS. Identifiers: Orphanet 168569, MedGen C1864445, MONDO:0011273, OMIM 602782.

Allele frequency attached by ClinVar (database versions not stated): ExAC 0.00002; gnomAD 0.00003 and 0.00004; TOPMed 0.00004.
gnomAD v4.1: 18 of 1,614,068 alleles (0.0011%); highest among the groups gnomAD compares: African/African-American, 0.0067%; no homozygotes.

Submissions (5):

Ambry Genetics
Classification: Uncertain significance for Inborn genetic diseases. Last evaluated: 2025-07-31. Review status: criteria provided, single submitter. Criteria: Ambry Variant Classification Scheme 2023. Collection method: clinical testing. Allele origin: germline.

Laboratorio de Genetica e Diagnostico Molecular, Hospital Israelita Albert Einstein
Classification: Uncertain significance for H syndrome. Last evaluated: 2024-06-24. Review status: criteria provided, single submitter. Criteria: ACMG Guidelines, 2015. Collection method: clinical testing. Allele origin: germline. Affected: yes.
Comment: ACMG classification criteria: PM2 supporting

Labcorp Genetics (formerly Invitae), Labcorp
Classification: Uncertain significance for H syndrome. Last evaluated: 2022-10-17. Review status: criteria provided, single submitter. Criteria: Invitae Variant Classification Sherloc (09022015). Collection method: clinical testing. Allele origin: germline.
Comment: This sequence change replaces arginine, which is basic and polar, with cysteine, which is neutral and slightly polar, at codon 401 of the SLC29A3 protein (p.Arg401Cys). This variant is present in population databases (rs746998307, gnomAD 0.004%). This missense change has been observed in individual(s) with clinical features of SLC29A3-related conditions (Invitae). ClinVar contains an entry for this variant (Variation ID: 300369). Advanced modeling of protein sequence and biophysical properties (such as structural, functional, and spatial information, amino acid conservation, physicochemical variation, residue mobility, and thermodynamic stability) has been performed at Invitae for this missense variant, however the output from this modeling did not meet the statistical confidence thresholds required to predict the impact of this variant on SLC29A3 protein function. In summary, the available evidence is currently insufficient to determine the role of this variant in disease. Therefore, it has been classified as a Variant of Uncertain Significance.

Blueprint Genetics
Classification: Uncertain significance. Last evaluated: 2022-08-17. Review status: criteria provided, single submitter. Criteria: ACMG Guidelines, 2015. Collection method: clinical testing. Allele origin: germline.

Illumina Laboratory Services, Illumina
Classification: Uncertain significance for H syndrome. Last evaluated: 2018-01-13. Review status: criteria provided, single submitter. Criteria: ICSL Variant Classification Criteria 13 December 2019. Collection method: clinical testing. Allele origin: germline.

NM_018344.6(SLC29A3):c.1201C>T (p.Arg401Cys)

Gene: SLC29A3 (solute carrier family 29 member 3; plus strand). Cytogenetic location: 10q22.1.
Variant type: single nucleotide variant.
Coding change: c.1201C>T on transcript NM_018344.6 (MANE Select); coding-DNA position 1201, C replaced by T.
Protein change: p.Arg401Cys; replaces arginine 401 with cysteine.
Molecular consequence: missense variant. On other transcripts: 3 prime UTR variant (1), non-coding transcript variant (2).
Genome position (GRCh38, 1-based): chr10:71,362,381, C>T. VCF-style: chr10-71362381-C-T. GRCh37 (hg19) VCF-style: chr10-73122138-C-T.
Other names: c.*430C>T (NM_001174098.2); c.967C>T, p.Arg323Cys (NM_001363518.2); short protein forms R401C, R323C.
Identifiers: ClinVar variation 300369 (VCV000300369.14), dbSNP rs746998307, ClinGen allele CA5543147.